The following is an entry in ClinVar:

NM_025233.7(COASY):c.422dup (p.Tyr141Ter)

Gene: COASY (Coenzyme A synthase; plus strand). Cytogenetic location: 17q21.2.
Variant type: Duplication.
Coding change: c.422dup on transcript NM_025233.7 (MANE Select); coding-DNA position 422, one base duplicated (A; older notation c.422dupA).
Protein change: p.Tyr141Ter; replaces tyrosine 141 with a stop codon.
Molecular consequence: nonsense.
Genome position (GRCh38, 1-based): chr17:42,563,044, A duplicated. VCF-style (leftmost placement, unchanged base first): chr17-42563043-T-TA. GRCh37 (hg19) VCF-style: chr17-40715061-T-TA.
Other names: c.422dup, p.Tyr141Ter (NM_001042529.3); c.509dup, p.Tyr170Ter (NM_001042532.4); short protein forms Y141*, Y170*.
Identifiers: ClinVar variation 1418640 (VCV001418640.6), dbSNP rs562485309, ClinGen allele CA290797470.

ClinVar aggregate classification (germline): Pathogenic (1 of 4 stars; one submission).

Conditions:
Neurodegeneration with brain iron accumulation 6 (NBIA6). Also called: COASY protein-associated neurodegeneration. Identifiers: Orphanet 397725, MedGen C4517377, MONDO:0014290, OMIM 615643.

Allele frequency attached by ClinVar (database versions not stated): gnomAD exomes below 0.00001 and 0.00001; TOPMed 0.00001; ESP Exome Variant Server 0.00008.

Submission:

Labcorp Genetics (formerly Invitae), Labcorp
Classification: Pathogenic for Neurodegeneration with brain iron accumulation 6. Last evaluated: 2021-06-25. Review status: criteria provided, single submitter. Criteria: Invitae Variant Classification Sherloc (09022015). Collection method: clinical testing. Allele origin: germline.
Comment: For these reasons, this variant has been classified as Pathogenic. This variant has not been reported in the literature in individuals with COASY-related conditions. This variant is not present in population databases (ExAC no frequency). This sequence change creates a premature translational stop signal (p.Tyr141*) in the COASY gene. It is expected to result in an absent or disrupted protein product. Loss-of-function variants in COASY are known to be pathogenic (PMID: 24360804, 30089828).

Literature cited by the submitters: PubMed 24360804; PubMed 30089828.